The following is an entry in ClinVar:

ClinVar aggregate classification (germline): Uncertain significance (1 of 4 stars; one submission).

Submission:

Labcorp Genetics (formerly Invitae), Labcorp
Classification: Uncertain significance. Last evaluated: 2024-02-04. Review status: criteria provided, single submitter. Criteria: Invitae Variant Classification Sherloc (09022015). Collection method: clinical testing. Allele origin: germline.
Comment: This sequence change replaces histidine, which is basic and polar, with tyrosine, which is neutral and polar, at codon 48 of the PDX1 protein (p.His48Tyr). Information on the frequency of this variant in the gnomAD database is not available, as this variant may be reported differently in the database. This variant has not been reported in the literature in individuals affected with PDX1-related conditions. Experimental studies and prediction algorithms are not available or were not evaluated, and the functional significance of this variant is currently unknown. In summary, the available evidence is currently insufficient to determine the role of this variant in disease. Therefore, it has been classified as a Variant of Uncertain Significance.

NM_000209.4(PDX1):c.141_142delinsTT (p.His48Tyr)

Gene: PDX1 (pancreatic and duodenal homeobox 1; plus strand). Cytogenetic location: 13q12.2.
Variant type: Indel.
Coding change: c.141_142delinsTT on transcript NM_000209.4 (MANE Select); coding-DNA positions 141 to 142, GC replaced by TT.
Protein change: p.His48Tyr; replaces histidine 48 with tyrosine.
Molecular consequence: missense variant.
Genome position (GRCh38, 1-based): chr13:27,920,279-27,920,280, GC replaced by TT. VCF-style: chr13-27920279-GC-TT. GRCh37 (hg19) VCF-style: chr13-28494416-GC-TT.
Other names: short protein forms H48Y.
Identifiers: ClinVar variation 3666947 (VCV003666947.2).
Genomic context (GRCh38, chr13:27,920,279, plus strand): 5'-GTTCAGCGCCAGCCCCCCTGCGTGCCTGTACATGGGCCGCCAGCCCCCGCCGCCGCCGCC[GC>TT]ACCCGTTCCCTGGCGCCCTGGGCGCGCTGGAGCAGGGCAGCCCCCCGGACATCTCCCCGT-3'
Protein context (NP_000200.1, residues 38-58): MGRQPPPPPP[His48Tyr]PFPGALGALE